The following is an entry in ClinVar:

GRCh37/hg19 5p14.3(chr5:22657926-23156895)x3

Gene: CDH12 (cadherin 12; minus strand). Cytogenetic location: 5p14.3.
Variant type: copy number gain.
Change: copy number 3 (three copies instead of two) of chr5:22,657,926-23,156,895 (499.0 kb, GRCh37 coordinates, 1-based), cytogenetic band 5p14.3.
Identifiers: ClinVar variation 446362 (VCV000446362.4).

ClinVar aggregate classification (germline): Uncertain significance (1 of 4 stars; one submission).

Submission:

Clinical Genomics Laboratory, Laboratory for Precision Diagnostics, University of Washington
Classification: Uncertain significance. Last evaluated: 2017-03-28. Review status: criteria provided, single submitter. Criteria: Clinical Cytogenomics Laboratory Policy on CNV Interpretation. Collection method: clinical testing. Allele origin: unknown. Affected: yes. Observed: 1 variant allele.